The following is an entry in ClinVar:

ClinVar aggregate classification (germline): Uncertain significance. Review status: criteria provided, multiple submitters, no conflicts (2 of 4 stars). 2 submissions from 2 submitters: Uncertain significance (2). Last evaluated 2023-11-01.

Conditions:
Immunodeficiency, common variable, 7. Identifiers: Orphanet 1572, Orphanet 696894, MedGen C3542922, MONDO:0013862, OMIM 614699.

Submissions (2):

Labcorp Genetics (formerly Invitae), Labcorp
Classification: Uncertain significance for Immunodeficiency, common variable, 7. Last evaluated: 2023-11-01. Review status: criteria provided, single submitter. Criteria: Invitae Variant Classification Sherloc (09022015). Collection method: clinical testing. Allele origin: germline.
Comment: This sequence change replaces alanine, which is neutral and non-polar, with glutamic acid, which is acidic and polar, at codon 213 of the CR2 protein (p.Ala213Glu). This variant is not present in population databases (gnomAD no frequency). This variant has not been reported in the literature in individuals affected with CR2-related conditions. An algorithm developed to predict the effect of missense changes on protein structure and function (PolyPhen-2) suggests that this variant is likely to be disruptive. In summary, the available evidence is currently insufficient to determine the role of this variant in disease. Therefore, it has been classified as a Variant of Uncertain Significance.

Blueprint Genetics
Classification: Uncertain significance. Last evaluated: 2023-04-21. Review status: criteria provided, single submitter. Criteria: ACMG Guidelines, 2015. Collection method: clinical testing. Allele origin: germline.

NM_001006658.3(CR2):c.638C>A (p.Ala213Glu)

Gene: CR2 (complement C3d receptor 2; plus strand). Cytogenetic location: 1q32.2.
Variant type: single nucleotide variant.
Coding change: c.638C>A on transcript NM_001006658.3 (MANE Select); coding-DNA position 638, C replaced by A.
Protein change: p.Ala213Glu; replaces alanine 213 with glutamic acid.
Molecular consequence: missense variant.
Genome position (GRCh38, 1-based): chr1:207,468,803, C>A. VCF-style: chr1-207468803-C-A. GRCh37 (hg19) VCF-style: chr1-207642148-C-A.
Other names: c.638C>A, p.Ala213Glu (NM_001877.5); short protein forms A213E.
Identifiers: ClinVar variation 2771798 (VCV002771798.4), dbSNP rs2527210920, ClinGen allele CA344526548.